The following is an entry in ClinVar:

NM_006744.4(RBP4):c.505A>G (p.Ile169Val)

Gene: RBP4 (retinol binding protein 4; minus strand). Cytogenetic location: 10q23.33.
Variant type: single nucleotide variant.
Coding change: c.505A>G on transcript NM_006744.4 (MANE Select); coding-DNA position 505, A replaced by G.
Protein change: p.Ile169Val; replaces isoleucine 169 with valine.
Molecular consequence: missense variant.
Genome position (GRCh38, 1-based): chr10:93,593,886, T>C on the plus strand (A>G on the coding strand, the complement: RBP4 is on the minus strand). VCF-style: chr10-93593886-T-C. GRCh37 (hg19) VCF-style: chr10-95353643-T-C.
Other names: c.505A>G, p.Ile169Val (NM_001323517.1); c.499A>G, p.Ile167Val (NM_001323518.2); short protein forms I167V, I169V.
Identifiers: ClinVar variation 935863 (VCV000935863.9), dbSNP rs766167167, ClinGen allele CA5609532.

ClinVar aggregate classification (germline): Conflicting classifications of pathogenicity. Review status: criteria provided, conflicting classifications (1 of 4 stars). 3 submissions from 3 submitters: Uncertain significance (2); Likely benign (1). Last evaluated 2025-04-17.

Conditions:
Inborn genetic diseases. Identifiers: MedGen C0950123, MeSH D030342.

Allele frequency attached by ClinVar (database versions not stated): TOPMed 0.00006.
gnomAD v4.1: 43 of 1,613,532 alleles (0.0027%); highest among the groups gnomAD compares: Admixed American, 0.072%; no homozygotes.

Submissions (3):

Labcorp Genetics (formerly Invitae), Labcorp
Classification: Uncertain significance. Last evaluated: 2025-04-17. Review status: criteria provided, single submitter. Criteria: Invitae Variant Classification Sherloc (09022015). Collection method: clinical testing. Allele origin: germline.
Comment: This sequence change replaces isoleucine, which is neutral and non-polar, with valine, which is neutral and non-polar, at codon 169 of the RBP4 protein (p.Ile169Val). This variant is present in population databases (rs766167167, gnomAD 0.1%). This variant has not been reported in the literature in individuals affected with RBP4-related conditions. ClinVar contains an entry for this variant (Variation ID: 935863). An algorithm developed to predict the effect of missense changes on protein structure and function outputs the following: PolyPhen-2: "Benign". The valine amino acid residue is found in multiple mammalian species, which suggests that this missense change does not adversely affect protein function. In summary, the available evidence is currently insufficient to determine the role of this variant in disease. Therefore, it has been classified as a Variant of Uncertain Significance.

Ambry Genetics
Classification: Uncertain significance for Inborn genetic diseases. Last evaluated: 2022-01-04. Review status: criteria provided, single submitter. Criteria: Ambry Variant Classification Scheme 2023. Collection method: clinical testing. Allele origin: germline.

Blueprint Genetics
Classification: Likely benign. Last evaluated: 2018-09-14. Review status: criteria provided, single submitter. Criteria: ACMG Guidelines, 2015. Collection method: clinical testing. Allele origin: germline.